The following is an entry in ClinVar:

NM_015570.4(AUTS2):c.1547C>G (p.Pro516Arg)

Gene: AUTS2 (activator of transcription and developmental regulator AUTS2; plus strand). Cytogenetic location: 7q11.22.
Variant type: single nucleotide variant.
Coding change: c.1547C>G on transcript NM_015570.4 (MANE Select); coding-DNA position 1547, C replaced by G.
Protein change: p.Pro516Arg; replaces proline 516 with arginine.
Molecular consequence: missense variant.
Genome position (GRCh38, 1-based): chr7:70,766,192, C>G. VCF-style: chr7-70766192-C-G. GRCh37 (hg19) VCF-style: chr7-70231178-C-G.
Other names: c.1547C>G, p.Pro516Arg (NM_001127231.3); short protein forms P516R.
Identifiers: ClinVar variation 1933551 (VCV001933551.5), dbSNP rs746226084, ClinGen allele CA367668808.
Genomic context (GRCh38, chr7:70,766,192, plus strand): 5'-AGGAACTGAACACTCGTTTTTTGGCCTCTCAGAGTGCTGACCGCGGGGCTTCCCTGGGCC[C>G]TCCGCCCTACCTGCGGACCGAGTTCCATCAGCACCAGCACCAGCACCAGCACACCCACCA-3'
Protein context (NP_056385.1, residues 506-526): QSADRGASLG[Pro516Arg]PPYLRTEFHQ

ClinVar aggregate classification (germline): Uncertain significance (1 of 4 stars; one submission).

gnomAD v4.1: 6 of 1,614,186 alleles (0.00037%); highest among the groups gnomAD compares: Non-Finnish European, 0.00051%; no homozygotes.

Submission:

Labcorp Genetics (formerly Invitae), Labcorp
Classification: Uncertain significance. Last evaluated: 2022-04-29. Review status: criteria provided, single submitter. Criteria: Invitae Variant Classification Sherloc (09022015). Collection method: clinical testing. Allele origin: germline.
Comment: This variant has not been reported in the literature in individuals affected with AUTS2-related conditions. This variant is not present in population databases (gnomAD no frequency). This sequence change replaces proline, which is neutral and non-polar, with arginine, which is basic and polar, at codon 516 of the AUTS2 protein (p.Pro516Arg). In summary, the available evidence is currently insufficient to determine the role of this variant in disease. Therefore, it has been classified as a Variant of Uncertain Significance. Algorithms developed to predict the effect of missense changes on protein structure and function are either unavailable or do not agree on the potential impact of this missense change (SIFT: "Deleterious"; PolyPhen-2: "Probably Damaging"; Align-GVGD: "Class C0").